The following is an entry in ClinVar:

ClinVar aggregate classification (germline): Likely benign (1 of 4 stars; one submission).

Allele frequency attached by ClinVar (database versions not stated): TOPMed 0.00005.

Submission:

GeneDx
Classification: Likely benign. Last evaluated: 2016-10-18. Review status: criteria provided, single submitter. Criteria: GeneDx Variant Classification (06012015). Collection method: clinical testing. Allele origin: germline. Affected: yes.
Comment: This variant is considered likely benign or benign based on one or more of the following criteria: it is a conservative change, it occurs at a poorly conserved position in the protein, it is predicted to be benign by multiple in silico algorithms, and/or has population frequency not consistent with disease.

NM_001128225.3(SLC39A13):c.*19C>T

Gene: SLC39A13 (solute carrier family 39 member 13; plus strand). Cytogenetic location: 11p11.2.
Variant type: single nucleotide variant.
Coding change: c.*19C>T on transcript NM_001128225.3 (MANE Select); 19 bases downstream of the stop codon, C replaced by T.
Molecular consequence: 3 prime UTR variant. On other transcripts: non-coding transcript variant (1).
Genome position (GRCh38, 1-based): chr11:47,415,382, C>T. VCF-style: chr11-47415382-C-T. GRCh37 (hg19) VCF-style: chr11-47436933-C-T.
Other names: c.*132C>T (NM_001330245.2); c.*19C>T (NM_152264.5).
Identifiers: ClinVar variation 389990 (VCV000389990.1), dbSNP rs750637189, ClinGen allele CA5976074.